The following is an entry in ClinVar:

ClinVar aggregate classification (germline): Benign/Likely benign. Review status: criteria provided, multiple submitters, no conflicts (2 of 4 stars). 3 submissions from 3 submitters: Benign (1); Likely benign (2). Last evaluated 2026-04-23.

Conditions:
Colorectal cancer, susceptibility to, 1. Also called: COLORECTAL ADENOMA AND CANCER, SUSCEPTIBILITY TO; COLORECTAL CANCER, SUSCEPTIBILITY TO, ON CHROMOSOME 9. Identifiers: MedGen C1837315, MONDO:0012132, OMIM 608812.

Submissions (3):

Myriad Genetics, Inc.
Classification: Benign for Colorectal cancer, susceptibility to, 1. Last evaluated: 2026-04-23. Review status: criteria provided, single submitter. Criteria: Myriad Autosomal Dominant, Autosomal Recessive and X-Linked Classification Criteria (2023). Collection method: clinical testing. Allele origin: unknown.
Comment: This variant is considered benign. This variant is a silent/synonymous amino acid change and it is not expected to impact splicing.

Ambry Genetics
Classification: Likely benign. Last evaluated: 2023-03-02. Review status: criteria provided, single submitter. Criteria: Ambry Variant Classification Scheme 2023. Collection method: clinical testing. Allele origin: germline.

Labcorp Genetics (formerly Invitae), Labcorp
Classification: Likely benign. Last evaluated: 2021-11-05. Review status: criteria provided, single submitter. Criteria: Invitae Variant Classification Sherloc (09022015). Collection method: clinical testing. Allele origin: germline.

NM_024642.5(GALNT12):c.231G>T (p.Ala77=)

Gene: GALNT12 (polypeptide N-acetylgalactosaminyltransferase 12; plus strand). Cytogenetic location: 9q22.33.
Variant type: single nucleotide variant.
Coding change: c.231G>T on transcript NM_024642.5 (MANE Select); coding-DNA position 231, G replaced by T.
Protein change: p.Ala77=; no amino-acid change (alanine 77 retained).
Molecular consequence: synonymous variant.
Genome position (GRCh38, 1-based): chr9:98,807,929, G>T. VCF-style: chr9-98807929-G-T. GRCh37 (hg19) VCF-style: chr9-101570211-G-T.
Other names: c.231G>T (NM_024642.4).
Identifiers: ClinVar variation 1537283 (VCV001537283.10), dbSNP rs2118257266, ClinGen allele CA466647467.
Genomic context (GRCh38, chr9:98,807,929, plus strand): 5'-CCCCGGGCGGCGCGAGCCGGTCATGCCGCGGCCGCCGGTGCCGGCGAACGCGCTGGGCGC[G>T]CGGGGCGAGGCGGTGCGGCTGCAGCTGCAGGGCGAGGAGCTGCGGCTGCAGGAGGAGAGC-3'
Protein context (NP_078918.3, residues 67-87): RPPVPANALG[Ala77=]RGEAVRLQLQ